The following is an entry in ClinVar:

ClinVar aggregate classification (germline): Uncertain significance (1 of 4 stars; one submission).

Allele frequency attached by ClinVar (database versions not stated): gnomAD exomes below 0.00001.
gnomAD v4.1: 7 of 1,554,952 alleles (0.00045%); highest among the groups gnomAD compares: Middle Eastern, 0.017%; no homozygotes.

Submission:

Labcorp Genetics (formerly Invitae), Labcorp
Classification: Uncertain significance. Last evaluated: 2024-05-24. Review status: criteria provided, single submitter. Criteria: Invitae Variant Classification Sherloc (09022015). Collection method: clinical testing. Allele origin: germline.
Comment: This sequence change replaces asparagine, which is neutral and polar, with serine, which is neutral and polar, at codon 60 of the AHDC1 protein (p.Asn60Ser). This variant is present in population databases (no rsID available, gnomAD 0.008%). This variant has not been reported in the literature in individuals affected with AHDC1-related conditions. An algorithm developed to predict the effect of missense changes on protein structure and function (PolyPhen-2) suggests that this variant is likely to be disruptive. In summary, the available evidence is currently insufficient to determine the role of this variant in disease. Therefore, it has been classified as a Variant of Uncertain Significance.

NM_001371928.1(AHDC1):c.179A>G (p.Asn60Ser)

Gene: AHDC1 (AT-hook DNA binding motif containing 1; minus strand). Cytogenetic location: 1p36.11.
Variant type: single nucleotide variant.
Coding change: c.179A>G on transcript NM_001371928.1 (MANE Select); coding-DNA position 179, A replaced by G.
Protein change: p.Asn60Ser; replaces asparagine 60 with serine.
Molecular consequence: missense variant.
Genome position (GRCh38, 1-based): chr1:27,551,937, T>C on the plus strand (A>G on the coding strand, the complement: AHDC1 is on the minus strand). VCF-style: chr1-27551937-T-C. GRCh37 (hg19) VCF-style: chr1-27878448-T-C.
Other names: c.179A>G, p.Asn60Ser (NM_001029882.3); short protein forms N60S.
Identifiers: ClinVar variation 2791340 (VCV002791340.3), dbSNP rs531901413, ClinGen allele CA339238303.